The following is an entry in ClinVar:

NM_001378030.1(CCDC78):c.782C>G (p.Ala261Gly)

Gene: CCDC78 (coiled-coil domain containing 78; minus strand). Cytogenetic location: 16p13.3.
Variant type: single nucleotide variant.
Coding change: c.782C>G on transcript NM_001378030.1 (MANE Select); coding-DNA position 782, C replaced by G.
Protein change: p.Ala261Gly; replaces alanine 261 with glycine.
Molecular consequence: missense variant. On other transcripts: non-coding transcript variant (5).
Genome position (GRCh38, 1-based): chr16:724,493, G>C on the plus strand (C>G on the coding strand, the complement: CCDC78 is on the minus strand). VCF-style: chr16-724493-G-C. GRCh37 (hg19) VCF-style: chr16-774493-G-C.
Other names: c.782C>G, p.Ala261Gly (NM_001031737.3, NM_001378031.1); c.215C>G, p.Ala72Gly (NM_001378033.1); short protein forms A261G, A72G.
Identifiers: ClinVar variation 661432 (VCV000661432.10), dbSNP rs1328091861, ClinGen allele CA394100815.
Genomic context (GRCh38, chr16:724,493, plus strand): 5'-ATGTCCTCCAGAGTCGCCTCCAGGAATGTCCGGAGGGCCGTGGTGGCTGGCGCTTGGCCT[G>C]CACCATCTGCGTGCTCCTGGAGGCGGCGGGCTGGGTCCGCATGGGGCCCACCCCCCATCT-3'
Protein context (NP_001364959.1, residues 251-271): AWQAVEHADG[Ala261Gly]GQAPATTALR

ClinVar aggregate classification (germline): Uncertain significance (1 of 4 stars; one submission).

Conditions:
Congenital myopathy with internal nuclei and atypical cores. Also called: Myopathy, centronuclear, 4. Identifiers: Orphanet 319160, MedGen C4707232, MONDO:0013890, OMIM 614807.

Allele frequency attached by ClinVar (database versions not stated): gnomAD below 0.00001 and 0.00001; TOPMed below 0.00001.
gnomAD v4.1: 1 of 1,598,964 alleles (0.000063%); highest among the groups gnomAD compares: South Asian, 0.0011%; no homozygotes.

Submission:

Labcorp Genetics (formerly Invitae), Labcorp
Classification: Uncertain significance for Congenital myopathy with internal nuclei and atypical cores. Last evaluated: 2022-07-05. Review status: criteria provided, single submitter. Criteria: Invitae Variant Classification Sherloc (09022015). Collection method: clinical testing. Allele origin: germline.
Comment: This sequence change replaces alanine, which is neutral and non-polar, with glycine, which is neutral and non-polar, at codon 261 of the CCDC78 protein (p.Ala261Gly). In summary, the available evidence is currently insufficient to determine the role of this variant in disease. Therefore, it has been classified as a Variant of Uncertain Significance. Algorithms developed to predict the effect of missense changes on protein structure and function output the following: SIFT: "Tolerated"; PolyPhen-2: "Possibly Damaging"; Align-GVGD: "Class C0". The glycine amino acid residue is found in multiple mammalian species, which suggests that this missense change does not adversely affect protein function. ClinVar contains an entry for this variant (Variation ID: 661432). This variant has not been reported in the literature in individuals affected with CCDC78-related conditions. This variant is present in population databases (no rsID available, gnomAD no frequency).